The following is an entry in ClinVar:

NM_000545.8(HNF1A):c.1733del (p.Leu578fs)

Gene: HNF1A (HNF1 homeobox A; plus strand). Cytogenetic location: 12q24.31.
Variant type: Deletion.
Coding change: c.1733del on transcript NM_000545.8 (MANE Select); coding-DNA position 1733, one base deleted (T; older notation c.1733delT).
Protein change: p.Leu578fs; shifts the reading frame from leucine 578.
Molecular consequence: frameshift variant.
Genome position (GRCh38, 1-based): chr12:120,999,592, T deleted. VCF-style (leftmost placement, unchanged base first): chr12-120999591-CT-C. GRCh37 (hg19) VCF-style: chr12-121437394-CT-C.
Other names: c.1733delT (NM_000545.6); c.1754del, p.Leu585fs (NM_001306179.2); short protein forms L585fs, L578fs.
Identifiers: ClinVar variation 134513 (VCV000134513.2), dbSNP rs1592898227, ClinGen allele CA915946722.

ClinVar aggregate classification (germline): Uncertain significance. Review status: criteria provided, single submitter (1 of 4 stars). 2 submissions from 2 submitters: Uncertain significance (1). 1 of the submissions does not count toward it.

Conditions:
Maturity-onset diabetes of the young (MODY). Also called: Maturity onset diabetes mellitus in young. Identifiers: Orphanet 552, MedGen C0342276, MONDO:0018911, HP:0004904.

Submissions (2):

Clinical Genomics, Uppaluri K&H Personalized Medicine Clinic
Classification: Uncertain significance for Maturity-onset diabetes of the young. Review status: criteria provided, single submitter. Criteria: K & H Uppaluri Personalized Medicine Clinic Variant Classification & Assertion Criteria_Updated V.1. Collection method: research. Allele origin: unknown. Inheritance: Autosomal dominant inheritance.
Comment: Mutations in HNF1A gene can predispose to MODY3. It is associated with both micro and macrovascular complications of diabetes, especially cardiovascular complications. Associated with glucosuria. May respond well to sulfonylureas. However, more evidence is required to confer the association of this particular variant rs1592898227 with MODY3.

ITMI
No classification provided. Condition: AllHighlyPenetrant. Last evaluated: 2013-09-19. Review status: no classification provided. Collection method: reference population. Allele origin: germline. Not counted in ClinVar's aggregate classification.
Comment: Please see associated publication for description of ethnicities

Literature cited by the submitters: PubMed 31517624 (cited by Clinical Genomics, Uppaluri K&H Personalized Medicine Clinic); PubMed 32395877 (cited by Clinical Genomics, Uppaluri K&H Personalized Medicine Clinic); PubMed 35328643 (cited by Clinical Genomics, Uppaluri K&H Personalized Medicine Clinic); PubMed 35673428 (cited by Clinical Genomics, Uppaluri K&H Personalized Medicine Clinic); PubMed 24728327 (cited by ITMI).